The following is an entry in ClinVar:

ClinVar aggregate classification (germline): Uncertain significance. Review status: criteria provided, multiple submitters, no conflicts (2 of 4 stars). 2 submissions from 2 submitters: Uncertain significance (2). Last evaluated 2022-02-03.

Conditions:
Biotin-responsive basal ganglia disease (BTBGD). Also called: THIAMINE METABOLISM DYSFUNCTION SYNDROME 2 (BIOTIN- AND THIAMINE-RESPONSIVE TYPE); Thiamine metabolism dysfunction syndrome 2 (biotin- or thiamine-responsive encephalopathy type 2); thiamine-responsive encephalopathy; Thiamine metabolism dysfunction syndrome type 2; Thiamine Transporter-2 Deficiency. Identifiers: Orphanet 199348, Orphanet 65284, MedGen C1843807, MONDO:0011841, OMIM 607483.

Allele frequency attached by ClinVar (database versions not stated): ExAC 0.00001; gnomAD 0.00001.
gnomAD v4.1: 1 of 1,614,006 alleles (0.000062%); no homozygotes.

Submissions (2):

Labcorp Genetics (formerly Invitae), Labcorp
Classification: Uncertain significance for Biotin-responsive basal ganglia disease. Last evaluated: 2022-02-03. Review status: criteria provided, single submitter. Criteria: Invitae Variant Classification Sherloc (09022015). Collection method: clinical testing. Allele origin: germline.
Comment: This variant has not been reported in the literature in individuals affected with SLC19A3-related conditions. This sequence change replaces valine, which is neutral and non-polar, with methionine, which is neutral and non-polar, at codon 182 of the SLC19A3 protein (p.Val182Met). This variant is not present in population databases (gnomAD no frequency). ClinVar contains an entry for this variant (Variation ID: 212194). Advanced modeling of protein sequence and biophysical properties (such as structural, functional, and spatial information, amino acid conservation, physicochemical variation, residue mobility, and thermodynamic stability) performed at Invitae indicates that this missense variant is not expected to disrupt SLC19A3 protein function. In summary, the available evidence is currently insufficient to determine the role of this variant in disease. Therefore, it has been classified as a Variant of Uncertain Significance.

Genetic Services Laboratory, University of Chicago
Classification: Uncertain significance. Last evaluated: 2014-12-18. Review status: criteria provided, single submitter. Criteria: ACMG Guidelines, 2015. Collection method: clinical testing. Allele origin: germline.

NM_025243.4(SLC19A3):c.544G>A (p.Val182Met)

Gene: SLC19A3 (solute carrier family 19 member 3; minus strand). Cytogenetic location: 2q36.3.
Variant type: single nucleotide variant.
Coding change: c.544G>A on transcript NM_025243.4 (MANE Select); coding-DNA position 544, G replaced by A.
Protein change: p.Val182Met; replaces valine 182 with methionine.
Molecular consequence: missense variant.
Genome position (GRCh38, 1-based): chr2:227,699,171, C>T on the plus strand (G>A on the coding strand, the complement: SLC19A3 is on the minus strand). VCF-style: chr2-227699171-C-T. GRCh37 (hg19) VCF-style: chr2-228563887-C-T.
Other names: short protein forms V182M.
Identifiers: ClinVar variation 212194 (VCV000212194.13), dbSNP rs758707665, ClinGen allele CA209666.